The following is an entry in ClinVar:

NM_003630.3(PEX3):c.348T>C (p.Thr116=)

Gene: PEX3 (peroxisomal biogenesis factor 3; plus strand). Cytogenetic location: 6q24.2.
Variant type: single nucleotide variant.
Coding change: c.348T>C on transcript NM_003630.3 (MANE Select); coding-DNA position 348, T replaced by C.
Protein change: p.Thr116=; no amino-acid change (threonine 116 retained).
Molecular consequence: synonymous variant.
Genome position (GRCh38, 1-based): chr6:143,470,977, T>C. VCF-style: chr6-143470977-T-C. GRCh37 (hg19) VCF-style: chr6-143792114-T-C.
Other names: c.348T>C (NM_003630.2).
Identifiers: ClinVar variation 1528456 (VCV001528456.10), dbSNP rs760092536, ClinGen allele CA4029550.

ClinVar aggregate classification (germline): Likely benign. Review status: criteria provided, multiple submitters, no conflicts (2 of 4 stars). 3 submissions from 3 submitters: Likely benign (3). Last evaluated 2026-07-22.

Conditions:
PEX3-related disorder. Also called: PEX3-related condition.

Allele frequency attached by ClinVar (database versions not stated): gnomAD exomes 0.00002; TOPMed 0.00002; ExAC 0.00003; gnomAD 0.00004.
gnomAD v4.1: 42 of 1,612,632 alleles (0.0026%); highest among the groups gnomAD compares: Non-Finnish European, 0.0033%; no homozygotes.

Submissions (3):

PreventionGenetics, part of Exact Sciences
Classification: Likely benign for PEX3-related condition. Last evaluated: 2026-07-22. Review status: criteria provided, single submitter. Criteria: ACMG Guidelines, 2015. Collection method: clinical testing. Allele origin: germline.
Comment: This variant is classified as likely benign based on ACMG/AMP sequence variant interpretation guidelines (Richards et al. 2015 PMID: 25741868, with internal and published modifications).

Labcorp Genetics (formerly Invitae), Labcorp
Classification: Likely benign. Last evaluated: 2026-02-04. Review status: criteria provided, single submitter. Criteria: Invitae Variant Classification Sherloc (09022015). Collection method: clinical testing. Allele origin: germline.

Blueprint Genetics
Classification: Likely benign. Last evaluated: 2024-09-24. Review status: criteria provided, single submitter. Criteria: ACMG Guidelines, 2015. Collection method: clinical testing. Allele origin: germline.